The following is an entry in ClinVar:

NM_000038.6(APC):c.7054A>T (p.Ser2352Cys)

Gene: APC (APC regulator of Wnt signaling pathway; plus strand). Cytogenetic location: 5q22.2.
Variant type: single nucleotide variant.
Coding change: c.7054A>T on transcript NM_000038.6 (MANE Select); coding-DNA position 7054, A replaced by T.
Protein change: p.Ser2352Cys; replaces serine 2352 with cysteine.
Molecular consequence: missense variant. On other transcripts: non-coding transcript variant (2).
Genome position (GRCh38, 1-based): chr5:112,842,648, A>T. VCF-style: chr5-112842648-A-T. GRCh37 (hg19) VCF-style: chr5-112178345-A-T.
Other names: c.7054A>T, p.Ser2352Cys (NM_001127510.3, NM_001354895.2, NM_001407450.1); c.7000A>T, p.Ser2334Cys (NM_001127511.3); c.7108A>T, p.Ser2370Cys (NM_001354896.2, NM_001407447.1, NM_001407448.1 and 1 more transcripts); c.7084A>T, p.Ser2362Cys (NM_001354897.2); c.6979A>T, p.Ser2327Cys (NM_001354898.2); c.6970A>T, p.Ser2324Cys (NM_001354899.2); c.6931A>T, p.Ser2311Cys (NM_001354900.2); c.6877A>T, p.Ser2293Cys (NM_001354901.2, NM_001407453.1); and 11 more; short protein forms S1968C, S2069C, S2192C, S2223C, S2226C, S2251C, S2261C, S2269C.
Identifiers: ClinVar variation 3231143 (VCV003231143.2), dbSNP rs764311778, ClinGen allele CA046749.

ClinVar aggregate classification (germline): Uncertain significance. Review status: criteria provided, multiple submitters, no conflicts (2 of 4 stars). 2 submissions from 2 submitters: Uncertain significance (2). Last evaluated 2025-04-21.

Conditions:
Hereditary cancer-predisposing syndrome. Also called: Neoplastic Syndromes, Hereditary; Tumor predisposition; Hereditary neoplastic syndrome; Hereditary Cancer Syndrome. Identifiers: Orphanet 140162, MedGen C0027672, MeSH D009386, MONDO:0015356.
Familial adenomatous polyposis 1 (FAP1). Also called: POLYPOSIS, ADENOMATOUS INTESTINAL; FAMILIAL ADENOMATOUS POLYPOSIS 1, ATTENUATED. Identifiers: MedGen C2713442, MONDO:0021056, OMIM 175100. Disease mechanism: loss of function.

Allele frequency attached by ClinVar (database versions not stated): ExAC 0.00001.
gnomAD v4.1: 2 of 1,613,876 alleles (0.00012%); highest among the groups gnomAD compares: South Asian, 0.0022%; no homozygotes.

Submissions (2):

Labcorp Genetics (formerly Invitae), Labcorp
Classification: Uncertain significance for Familial adenomatous polyposis 1. Last evaluated: 2025-04-21. Review status: criteria provided, single submitter. Criteria: Invitae Variant Classification Sherloc (09022015). Collection method: clinical testing. Allele origin: germline.
Comment: This sequence change replaces serine, which is neutral and polar, with cysteine, which is neutral and slightly polar, at codon 2352 of the APC protein (p.Ser2352Cys). This variant is present in population databases (rs764311778, gnomAD 0.003%). This variant has not been reported in the literature in individuals affected with APC-related conditions. ClinVar contains an entry for this variant (Variation ID: 3231143). Invitae Evidence Modeling of protein sequence and biophysical properties (such as structural, functional, and spatial information, amino acid conservation, physicochemical variation, residue mobility, and thermodynamic stability) indicates that this missense variant is not expected to disrupt APC protein function with a negative predictive value of 95%. In summary, the available evidence is currently insufficient to determine the role of this variant in disease. Therefore, it has been classified as a Variant of Uncertain Significance.

Ambry Genetics
Classification: Uncertain significance for Hereditary cancer-predisposing syndrome. Last evaluated: 2024-02-16. Review status: criteria provided, single submitter. Criteria: Ambry Variant Classification Scheme 2023. Collection method: clinical testing. Allele origin: germline.
Comment: The p.S2352C variant (also known as c.7054A>T), located in coding exon 15 of the APC gene, results from an A to T substitution at nucleotide position 7054. The serine at codon 2352 is replaced by cysteine, an amino acid with dissimilar properties. This amino acid position is conserved. In addition, in silico predictors for this gene do not accurately predict pathogenicity. Based on the available evidence, the clinical significance of this alteration remains unclear.